The following is an entry in ClinVar:

NM_005235.3(ERBB4):c.1792C>A (p.Gln598Lys)

Gene: ERBB4 (erb-b2 receptor tyrosine kinase 4; minus strand). Cytogenetic location: 2q34.
Variant type: single nucleotide variant.
Coding change: c.1792C>A on transcript NM_005235.3 (MANE Select); coding-DNA position 1792, C replaced by A.
Protein change: p.Gln598Lys; replaces glutamine 598 with lysine.
Molecular consequence: missense variant.
Genome position (GRCh38, 1-based): chr2:211,665,402, G>T on the plus strand (C>A on the coding strand, the complement: ERBB4 is on the minus strand). VCF-style: chr2-211665402-G-T. GRCh37 (hg19) VCF-style: chr2-212530127-G-T.
Other names: c.1792C>A (NM_005235.2); c.1792C>A, p.Gln598Lys (NM_001042599.2); short protein forms Q598K.
Identifiers: ClinVar variation 3618553 (VCV003618553.3).
Genomic context (GRCh38, chr2:211,665,402, plus strand): 5'-GGCATGGGTGGCACTCCCGATCTGGATCAGCATACTTGAAAATGAAACTGTTTGCCCCCT[G>T]TAAGCCATCTGGACATTTTTCCACACAGTTTGGGCCATCTTTAAAATGAGAGCACTTTGT-3'
Protein context (NP_005226.1, residues 588-608): NCVEKCPDGL[Gln598Lys]GANSFIFKYA

ClinVar aggregate classification (germline): Uncertain significance. Review status: criteria provided, multiple submitters, no conflicts (2 of 4 stars). 2 submissions from 2 submitters: Uncertain significance (2). Last evaluated 2025-07-15.

Conditions:
Inborn genetic diseases. Identifiers: MedGen C0950123, MeSH D030342.

gnomAD v4.1: 34 of 1,613,940 alleles (0.0021%); highest among the groups gnomAD compares: Non-Finnish European, 0.0026%; no homozygotes.

Submissions (2):

Ambry Genetics
Classification: Uncertain significance for Inborn genetic diseases. Last evaluated: 2025-07-15. Review status: criteria provided, single submitter. Criteria: Ambry Variant Classification Scheme 2023. Collection method: clinical testing. Allele origin: germline.

Labcorp Genetics (formerly Invitae), Labcorp
Classification: Uncertain significance. Last evaluated: 2024-12-17. Review status: criteria provided, single submitter. Criteria: Invitae Variant Classification Sherloc (09022015). Collection method: clinical testing. Allele origin: germline.
Comment: This sequence change replaces glutamine, which is neutral and polar, with lysine, which is basic and polar, at codon 598 of the ERBB4 protein (p.Gln598Lys). This variant is present in population databases (rs755854720, gnomAD 0.002%). This variant has not been reported in the literature in individuals affected with ERBB4-related conditions. Invitae Evidence Modeling of protein sequence and biophysical properties (such as structural, functional, and spatial information, amino acid conservation, physicochemical variation, residue mobility, and thermodynamic stability) indicates that this missense variant is not expected to disrupt ERBB4 protein function with a negative predictive value of 80%. In summary, the available evidence is currently insufficient to determine the role of this variant in disease. Therefore, it has been classified as a Variant of Uncertain Significance.